The following is an entry in ClinVar:

NM_000426.4(LAMA2):c.4310A>T (p.Gln1437Leu)

Gene: LAMA2 (laminin subunit alpha 2; plus strand). Cytogenetic location: 6q22.33.
Variant type: single nucleotide variant.
Coding change: c.4310A>T on transcript NM_000426.4 (MANE Select); coding-DNA position 4310, A replaced by T.
Protein change: p.Gln1437Leu; replaces glutamine 1437 with leucine.
Molecular consequence: missense variant.
Genome position (GRCh38, 1-based): chr6:129,328,411, A>T. VCF-style: chr6-129328411-A-T. GRCh37 (hg19) VCF-style: chr6-129649556-A-T.
Other names: c.4310A>T, p.Gln1437Leu (NM_001079823.2); short protein forms Q1437L.
Identifiers: ClinVar variation 860733 (VCV000860733.7), dbSNP rs1775433342, ClinGen allele CA365614541.

ClinVar aggregate classification (germline): Uncertain significance (1 of 4 stars; one submission).

Conditions:
LAMA2-related muscular dystrophy (LAMA2-RD). Also called: Laminin alpha 2-related dystrophy. Identifiers: MedGen C5679788, MONDO:0100228.

Allele frequency attached by ClinVar (database versions not stated): gnomAD exomes below 0.00001.
gnomAD v4.1: 2 of 1,614,176 alleles (0.00012%); highest among the groups gnomAD compares: Non-Finnish European, 0.000085%; no homozygotes.

Submission:

Labcorp Genetics (formerly Invitae), Labcorp
Classification: Uncertain significance for LAMA2-related muscular dystrophy. Last evaluated: 2022-08-16. Review status: criteria provided, single submitter. Criteria: Invitae Variant Classification Sherloc (09022015). Collection method: clinical testing. Allele origin: germline.
Comment: This sequence change replaces glutamine, which is neutral and polar, with leucine, which is neutral and non-polar, at codon 1437 of the LAMA2 protein (p.Gln1437Leu). This variant is not present in population databases (gnomAD no frequency). This missense change has been observed in individual(s) with clinical features of congenital muscular dystrophy (Invitae). In at least one individual the data is consistent with being in trans (on the opposite chromosome) from a pathogenic variant. ClinVar contains an entry for this variant (Variation ID: 860733). Algorithms developed to predict the effect of missense changes on protein structure and function are either unavailable or do not agree on the potential impact of this missense change (SIFT: "Deleterious"; PolyPhen-2: "Benign"; Align-GVGD: "Class C0"). Algorithms developed to predict the effect of sequence changes on RNA splicing suggest that this variant may disrupt the consensus splice site. In summary, the available evidence is currently insufficient to determine the role of this variant in disease. Therefore, it has been classified as a Variant of Uncertain Significance.